The following is an entry in ClinVar:

ClinVar aggregate classification (germline): Conflicting classifications of pathogenicity. Review status: criteria provided, conflicting classifications (1 of 4 stars). 2 submissions from 2 submitters: Uncertain significance (1); Likely benign (1). Last evaluated 2026-01-16.

Conditions:
Hereditary cancer-predisposing syndrome. Also called: Neoplastic Syndromes, Hereditary; Tumor predisposition; Hereditary Cancer Syndrome; Hereditary neoplastic syndrome. Identifiers: Orphanet 140162, MedGen C0027672, MeSH D009386, MONDO:0015356.
Neuroblastoma, susceptibility to, 3. Also called: ALK-Related Neuroblastic Tumor Susceptibility. Identifiers: Orphanet 635, MedGen C2751681, MONDO:0013083, OMIM 613014.

gnomAD v4.1: 1 of 1,614,148 alleles (0.000062%); highest among the groups gnomAD compares: Non-Finnish European, 0.000085%; no homozygotes.

Submissions (2):

Labcorp Genetics (formerly Invitae), Labcorp
Classification: Uncertain significance for Neuroblastoma, susceptibility to, 3. Last evaluated: 2026-01-16. Review status: criteria provided, single submitter. Criteria: Invitae Variant Classification Sherloc (09022015). Collection method: clinical testing. Allele origin: germline.
Comment: This sequence change replaces arginine, which is basic and polar, with glycine, which is neutral and non-polar, at codon 1549 of the ALK protein (p.Arg1549Gly). This variant is not present in population databases (gnomAD no frequency). This variant has not been reported in the literature in individuals affected with ALK-related conditions. ClinVar contains an entry for this variant (Variation ID: 1742146). An algorithm developed to predict the effect of missense changes on protein structure and function (PolyPhen-2) suggests that this variant is likely to be tolerated. In summary, the available evidence is currently insufficient to determine the role of this variant in disease. Therefore, it has been classified as a Variant of Uncertain Significance.

Ambry Genetics
Classification: Likely benign for Hereditary cancer-predisposing syndrome. Last evaluated: 2025-03-20. Review status: criteria provided, single submitter. Criteria: Ambry Variant Classification Scheme 2023. Collection method: clinical testing. Allele origin: germline.

NM_004304.5(ALK):c.4645A>G (p.Arg1549Gly)

Gene: ALK (ALK receptor tyrosine kinase; minus strand). Cytogenetic location: 2p23.2.
Variant type: single nucleotide variant.
Coding change: c.4645A>G on transcript NM_004304.5 (MANE Select); coding-DNA position 4645, A replaced by G.
Protein change: p.Arg1549Gly; replaces arginine 1549 with glycine.
Molecular consequence: missense variant.
Genome position (GRCh38, 1-based): chr2:29,193,442, T>C on the plus strand (A>G on the coding strand, the complement: ALK is on the minus strand). VCF-style: chr2-29193442-T-C. GRCh37 (hg19) VCF-style: chr2-29416308-T-C.
Other names: c.1441A>G, p.Arg481Gly (NM_001353765.2); short protein forms R1549G, R481G.
Identifiers: ClinVar variation 1742146 (VCV001742146.8), dbSNP rs773780435, ClinGen allele CA346460535.